The following continues an entry in ClinVar:

NM_000059.4(BRCA2):c.631+2T>G

Gene: BRCA2. ClinVar aggregate classification (germline): Pathogenic. Pathogenic (1).

Submissions 10 to 19 of 28:

Clinical Genomics Laboratory, Washington University in St. Louis
Classification: Pathogenic for Breast-ovarian cancer, familial, susceptibility to, 2. Last evaluated: 2024-11-17. Review status: criteria provided, single submitter. Criteria: ACMG Guidelines, 2015. Collection method: clinical testing. Allele origin: germline. Affected: yes. Not counted in ClinVar's aggregate classification.
Comment: The BRCA2 c.631+2T>G variant, also known as IVS7+2T>G, is reported in the literature in multiple individuals with a personal or family history of breast and/or ovarian cancer (Breast Cancer Association Consortium et al., PMID: 33471991; Ding YC et al., PMID: 20927582; Maxwell KN et al., PMID: 28831036; Pyne MT et al., PMID: 11185744; Watson P et al., PMID: 19620486; Wong-Brown MW et al., PMID: 25682074). In addition, this variant has been described in the homozygous state or in trans to another pathogenic BRCA2 variant in individuals affected with Fanconi anemia (Wagner JE et al., PMID: 15070707). This variant is absent from the general population (gnomAD v.2.1.1), indicating it is not a common variant. This variant occurs within the canonical splice donor site, which is predicted to cause skipping of the exon, leading to an out of frame transcript. This is supported by functional studies that show this variant results in the skipping of exon 7, leading to mRNA degradation and lack of function protein (Biswas K et al., PMID: 21719596; Pyne MT et al., PMID: 11185744). This variant has been reported in the ClinVar database as a germline pathogenic variant by multiple submitters. Based on available information and the ACMG/AMP guidelines for variant interpretation (Richards S et al., PMID: 25741868), this variant is classified as pathogenic.

All of Us Research Program, National Institutes of Health
Classification: Pathogenic for BRCA2-related cancer predisposition. Last evaluated: 2024-09-16. Review status: criteria provided, single submitter. Criteria: ACMG Guidelines, 2015. Collection method: clinical testing. Allele origin: germline. Inheritance: Autosomal dominant inheritance. Observed: 1 variant allele, 1 heterozygote. Not counted in ClinVar's aggregate classification.
Comment: This variant causes a T to G nucleotide substitution at the +2 position of intron 7 of the BRCA2 gene. An RNA study has detected the out-of-frame skipping of exon 7 in carrier RNA (PMID: 11185744). To our knowledge, functional studies have not been reported for this variant. This variant has been detected in at least ten individuals affected with breast and ovarian cancer (PMID: 11185744, 19620486, 20927582, 25682074, 28831036, 33471991; Leiden Open Variation Database DB-ID BRCA2_000039). Multifactorial analyses have reported likelihood ratios for pathogenicity based on segregation and personal and family history of 22.515 and 92.317, respectively (PMID: 31131967, 31853058). This variant also has been reported in four homozygous and heterozygous carriers from three unrelated families who were affected with the recessive disease, Fanconi anemia (PMID: 15070707, 15645491, 21548014). This variant has not been identified in the general population by the Genome Aggregation Database (gnomAD). Loss of BRCA2 function is a known mechanism of disease. Based on the available evidence, this variant is classified as Pathogenic.

This study involves interpretation of variants in research participants for the purpose of population health screening. Participant phenotype was not available at the time of variant classification. Additional details can be found in publication PMID: 35346344, PMCID: PMC8962531

Color Diagnostics, LLC DBA Color Health
Classification: Pathogenic for Hereditary cancer-predisposing syndrome. Last evaluated: 2024-08-08. Review status: criteria provided, single submitter. Criteria: ACMG Guidelines, 2015. Collection method: clinical testing. Allele origin: germline. Not counted in ClinVar's aggregate classification.
Comment: This variant causes a T to G nucleotide substitution at the +2 position of intron 7 of the BRCA2 gene. An RNA study has detected the out-of-frame skipping of exon 7 in carrier RNA (PMID: 11185744). To our knowledge, functional studies have not been reported for this variant. This variant has been detected in at least ten individuals affected with breast and ovarian cancer (PMID: 11185744, 19620486, 20927582, 25682074, 28831036, 33471991; Leiden Open Variation Database DB-ID BRCA2_000039). Multifactorial analyses have reported likelihood ratios for pathogenicity based on segregation and personal and family history of 22.515 and 92.317, respectively (PMID: 31131967, 31853058). This variant also has been reported in four homozygous and heterozygous carriers from three unrelated families who were affected with the recessive disease, Fanconi anemia (PMID: 15070707, 15645491, 21548014). This variant has not been identified in the general population by the Genome Aggregation Database (gnomAD). Loss of BRCA2 function is a known mechanism of disease. Based on the available evidence, this variant is classified as Pathogenic.

Baylor Genetics
Classification: Pathogenic for Familial cancer of breast. Last evaluated: 2024-03-20. Review status: criteria provided, single submitter. Criteria: ACMG Guidelines, 2015. Collection method: clinical testing. Allele origin: unknown. Not counted in ClinVar's aggregate classification.

Quest Diagnostics Nichols Institute San Juan Capistrano
Classification: Pathogenic. Last evaluated: 2023-06-20. Review status: criteria provided, single submitter. Criteria: Quest Diagnostics criteria. Collection method: clinical testing. Allele origin: unknown. Not counted in ClinVar's aggregate classification.
Comment: The BRCA2 c.631+2T>G variant is located in a canonical splice-donor site and interferes with normal BRCA2 mRNA splicing. This variant has been reported in the published literature in individuals with breast and/or ovarian cancer (PMIDs: 33471991 (2021) see also LOVD, 31090900 (2019), 29625052 (2018), 26689913 (2015), 25682074 (2015), 26296701 (2015), 11185744 (2000)). Additionally, the variant is reported to be damaging to BRCA2 function by causing the premature truncation of exon 7 (PMIDs: PMIDs: 31131967 (2019), 21719596 (2011), 11185744 (2000)). This variant has not been reported in large, multi-ethnic general populations (Genome Aggregation Database). Based on the available information, this variant is classified as pathogenic.

ARUP Laboratories, Molecular Genetics and Genomics, ARUP Laboratories
Classification: Pathogenic. Last evaluated: 2021-05-06. Review status: criteria provided, single submitter. Criteria: ARUP Molecular Germline Variant Investigation Process 2021. Collection method: clinical testing. Allele origin: germline. Not counted in ClinVar's aggregate classification.
Comment: The BRCA2 c.631+2T>G variant (rs81002899), also known as IVS7+2T>G, is reported in the literature in multiple individuals with a personal or family history of breast and/or ovarian cancer (Pyne 2000, Wagner 2004). In addition, this variant has been described in the homozygous state or in trans to another pathogenic BRCA2 variant in individuals affected with Fanconi anemia (Meyer 2005, Wagner 2004). The c.631+2T>G variant is absent from general population databases (Exome Variant Server, Genome Aggregation Database), indicating it is not a common polymorphism. This variant abolishes the canonical splice donor site of intron 7, which is likely to disrupt gene function. Indeed, functional assays suggest this variant causes skipping of exon 7, resulting in mRNA degradation and a lack of detectable protein (Pyne 2000, Meyer 2005). Based on available information, this variant is considered to be pathogenic. References: Meyer S et al. A cross-linker-sensitive myeloid leukemia cell line from a 2-year-old boy with severe Fanconi anemia and biallelic FANCD1/BRCA2 mutations. Genes Chromosomes Cancer. 2005 Apr;42(4):404-15. Pyne MT et al. The BRCA2 genetic variant IVS7 + 2T-->G is a mutation. J Hum Genet. 2000;45(6):351-7. Wagner JE et al. Germline mutations in BRCA2: shared genetic susceptibility to breast cancer, early onset leukemia, and Fanconi anemia. Blood. 2004 Apr 15;103(8):3226-9.

HudsonAlpha Institute for Biotechnology
Classification: Pathogenic for Breast-ovarian cancer, familial, susceptibility to, 2. Last evaluated: 2019-01-22. Review status: criteria provided, single submitter. Criteria: ACMG Guidelines, 2015. Collection method: research. Allele origin: unknown. Observed: 2 variant alleles. Study: AGHI_GT. Not counted in ClinVar's aggregate classification.

Laboratory for Molecular Medicine, Mass General Brigham Personalized Medicine
Classification: Pathogenic for Fanconi anemia. Last evaluated: 2018-02-20. Review status: criteria provided, single submitter. Criteria: LMM Criteria. Collection method: clinical testing. Allele origin: germline. Inheritance: Autosomal recessive inheritance. Observed: 2 variant alleles. Not counted in ClinVar's aggregate classification.
Comment: The c.631+2T>G variant in BRCA2 has been identified in the homozygous or compoun d heterozygous state in 5 individuals with Fanconi anemia (Myer 2005, Myers 2012 , Wagner 2004), and segregated with disease in 2 individuals from 2 families. It was absent from large population studies. The c.631+2T>G variant occurs in the invariant region (+/- 1,2) of the splice consensus sequence and has been shown t o cause altered splicing leading to an absent protein (Pyne 2000, Meyer 2005, Bi swas 2011). In summary, this variant meets criteria to be classified as pathogen ic for Fanconi anemia in an autosomal recessive manner. ACMG/AMP criteria applie d: PVS1, PM3_VeryStrong, PS4_Moderate, PM2, PP1.

Laboratory for Molecular Medicine, Mass General Brigham Personalized Medicine
Classification: Pathogenic for Hereditary breast ovarian cancer syndrome. Last evaluated: 2018-02-20. Review status: criteria provided, single submitter. Criteria: LMM Criteria. Collection method: clinical testing. Allele origin: germline. Inheritance: Autosomal dominant inheritance. Observed: 2 variant alleles. Not counted in ClinVar's aggregate classification.
Comment: The c.631+2T>G variant in BRCA2 has been reported in >15 individuals with BRCA2- associated cancers (Pyne 2000, Wong-Brown 2015, Breast Cancer Information Core ( BIC) database). It was absent from large population studies. The c.631+2T>G vari ant occurs in the invariant region (+/- 1,2) of the splice consensus sequence an d has been shown to cause altered splicing leading to an absent protein (Pyne 20 00, Meyer 2005, Biswas 2011). Heterozygous loss of function of the BRCA2 gene is an established disease mechanism in hereditary breast and ovarian cancer (HBOC) . In summary, this variant meets criteria to be classified as pathogenic for her editary breast and ovarian cancer syndrome in an autosomal dominant manner. ACMG /AMP criteria applied: PS4, PM2, PVS1.

CHEO Genetics Diagnostic Laboratory, Children's Hospital of Eastern Ontario
Classification: Pathogenic for Breast and/or ovarian cancer. Last evaluated: 2017-09-19. Review status: criteria provided, single submitter. Criteria: ACMG Guidelines, 2015. Collection method: clinical testing. Allele origin: germline. Study: Canadian Open Genetics Repository. Not counted in ClinVar's aggregate classification.